The following is an entry in ClinVar:

NC_000022.11:g.40345924C>T

Gene: ADSL (adenylosuccinate lyase; plus strand). Cytogenetic location: 22q13.1.
Variant type: single nucleotide variant.
Genome position: GRCh38 VCF-style: chr22-40345924-C-T. GRCh37 (hg19) VCF-style: chr22-40741928-C-T.
Identifiers: ClinVar variation 2014018 (VCV002014018.2), dbSNP rs950362458, ClinGen allele CA324446452.
Genomic context (GRCh38, chr22:40,345,924, plus strand): 5'-AGGAAATCTGCCTGCCTCGACCTCCCGAAGTGCTGGGATTACAGGCGTAGGCCACCGCAG[C>T]CGGCTCACTGGGGGCGCAGTAAATGCCGATTTCCCTTGGGTATCTTCATTTCTCCTTAGA-3'

ClinVar aggregate classification (germline): Uncertain significance (1 of 4 stars; one submission).

Conditions:
Adenylosuccinate lyase deficiency (ADSLD). Also called: ADSL DEFICIENCY. Identifiers: Orphanet 46, MedGen C0268126, MONDO:0007068, OMIM 103050.

Allele frequency attached by ClinVar (database versions not stated): TOPMed below 0.00001; gnomAD 0.00001.

Submission:

Labcorp Genetics (formerly Invitae), Labcorp
Classification: Uncertain significance for Adenylosuccinate lyase deficiency. Last evaluated: 2022-08-21. Review status: criteria provided, single submitter. Criteria: Invitae Variant Classification Sherloc (09022015). Collection method: clinical testing. Allele origin: germline.
Comment: This variant occurs in a non-coding region of the ADSL gene. It does not change the encoded amino acid sequence of the ADSL protein. This variant is not present in population databases (gnomAD no frequency). This variant has not been reported in the literature in individuals affected with ADSL-related conditions. Experimental studies and prediction algorithms are not available or were not evaluated, and the functional significance of this variant is currently unknown. In summary, the available evidence is currently insufficient to determine the role of this variant in disease. Therefore, it has been classified as a Variant of Uncertain Significance.